The following is an entry in ClinVar:

NM_001278512.2(AP3B2):c.189+6_189+7del

Genes: AP3B2 (adaptor related protein complex 3 subunit beta 2; minus strand), CPEB1-AS1 (CPEB1 antisense RNA 1; plus strand). Cytogenetic location: 15q25.2.
Variant type: Microsatellite.
Coding change: c.189+6_189+7del on transcript NM_001278512.2 (MANE Select); bases 6 to 7 of the intron after coding-DNA position 189, 2 bases deleted (AG; older notation c.189+6_189+7delAG).
Molecular consequence: intron variant.
Genome position (GRCh38, 1-based): chr15:82,689,371-82,689,372, CT deleted on the plus strand (AG on the coding strand, the reverse complement: AP3B2 is on the minus strand); deleting any 2 consecutive bases within chr15:82,689,371-82,689,374 gives the same sequence; the c. name uses the placement nearest the transcript's 3' end. VCF-style (leftmost placement, unchanged base first): chr15-82689370-CCT-C. GRCh37 (hg19) VCF-style: chr15-83358122-CCT-C.
Other names: c.189+6_189+7del (NM_001278511.2, NM_004644.5, NM_001348440.2).
Identifiers: ClinVar variation 1986852 (VCV001986852.4), dbSNP rs2048485314, ClinGen allele CA972082741.
Genomic context (GRCh38, chr15:82,689,370, plus strand): 5'-AGCTAAGGAGAGCTGCTCTTGGCCACCCAGGCCCCGCCCGGAGGGAGGCCTCCTCCTTCC[CCT>C]CTTACCGCCACAATCCTCTTCATGGCCTCCAGCTTGAGAGAATCCTTGTTGGTGTCCAGC-3'

ClinVar aggregate classification (germline): Uncertain significance (1 of 4 stars; one submission).

Submission:

Labcorp Genetics (formerly Invitae), Labcorp
Classification: Uncertain significance. Last evaluated: 2024-10-22. Review status: criteria provided, single submitter. Criteria: Invitae Variant Classification Sherloc (09022015). Collection method: clinical testing. Allele origin: germline.
Comment: This sequence change falls in intron 2 of the AP3B2 gene. It does not directly change the encoded amino acid sequence of the AP3B2 protein. It affects a nucleotide within the consensus splice site. This variant is not present in population databases (gnomAD no frequency). This variant has not been reported in the literature in individuals affected with AP3B2-related conditions. Variants that disrupt the consensus splice site are a relatively common cause of aberrant splicing (PMID: 17576681, 9536098). Algorithms developed to predict the effect of sequence changes on RNA splicing suggest that this variant is not likely to affect RNA splicing. In summary, the available evidence is currently insufficient to determine the role of this variant in disease. Therefore, it has been classified as a Variant of Uncertain Significance.

Literature cited by the submitters: PubMed 17576681; PubMed 9536098.